The following is an entry in ClinVar:

ClinVar aggregate classification (germline): Benign (1 of 4 stars; one submission).

Submission:

Cytogenetics Laboratory, University of Washington
Classification: Benign. Last evaluated: 2015-01-16. Review status: criteria provided, single submitter. Criteria: UW Cytogenetics and Genomics Laboratory Policy on CNV Interpretation (5/6/2015). Collection method: clinical testing. Allele origin: unknown. Affected: yes. Observed: 1 variant allele.

GRCh37/hg19 13q21.33(chr13:71136977-71585455)x3

Variant type: copy number gain.
Change: copy number 3 (three copies instead of two) of chr13:71,136,977-71,585,455 (448.5 kb, GRCh37 coordinates, 1-based), cytogenetic band 13q21.33.
Identifiers: ClinVar variation 202220 (VCV000202220.4).